The following is an entry in ClinVar:

ClinVar aggregate classification (germline): Pathogenic (1 of 4 stars; one submission).

Submission:

CeGaT Center for Human Genetics Tuebingen
Classification: Pathogenic. Last evaluated: 2023-06-01. Review status: criteria provided, single submitter. Criteria: CeGaT Center For Human Genetics Tuebingen Variant Classification Criteria Version 2. Collection method: clinical testing. Allele origin: germline. Affected: yes. Observed: 1 variant allele.
Comment: GRIN2B: PVS1, PM2, PS3:Supporting

NM_000834.5(GRIN2B):c.2410G>T (p.Glu804Ter)

Gene: GRIN2B (glutamate ionotropic receptor NMDA type subunit 2B; minus strand). Cytogenetic location: 12p13.1.
Variant type: single nucleotide variant.
Coding change: c.2410G>T on transcript NM_000834.5 (MANE Select); coding-DNA position 2410, G replaced by T.
Protein change: p.Glu804Ter; replaces glutamic acid 804 with a stop codon.
Molecular consequence: nonsense.
Genome position (GRCh38, 1-based): chr12:13,567,213, C>A on the plus strand (G>T on the coding strand, the complement: GRIN2B is on the minus strand). VCF-style: chr12-13567213-C-A. GRCh37 (hg19) VCF-style: chr12-13720147-C-A.
Other names: c.2410G>T, p.Glu804Ter (NM_001413992.1); short protein forms E804*.
Identifiers: ClinVar variation 2642749 (VCV002642749.24), dbSNP rs1555103172, ClinGen allele CA383996650.